The following is an entry in ClinVar:

ClinVar aggregate classification (germline): Benign (1 of 4 stars; one submission).

Allele frequency attached by ClinVar (database versions not stated): 1000 Genomes Project 0.56629; 1000 Genomes Project 30x 0.56996; TOPMed 0.63261; gnomAD 0.64556 and 0.64906.
gnomAD v4.1: 98,044 of 151,856 alleles (65%); highest among the groups gnomAD compares: Non-Finnish European, 70%; 32,362 homozygotes.

Submission:

GeneDx
Classification: Benign. Last evaluated: 2018-06-14. Review status: criteria provided, single submitter. Criteria: GeneDx Variant Classification (06012015). Collection method: clinical testing. Allele origin: germline. Affected: yes.
Comment: This variant is considered likely benign or benign based on one or more of the following criteria: it is a conservative change, it occurs at a poorly conserved position in the protein, it is predicted to be benign by multiple in silico algorithms, and/or has population frequency not consistent with disease.

NM_032578.4(MYPN):c.1459+218A>G

Gene: MYPN (myopalladin; plus strand). Cytogenetic location: 10q21.3.
Variant type: single nucleotide variant.
Coding change: c.1459+218A>G on transcript NM_032578.4 (MANE Select); 218 bases into the intron after coding-DNA position 1459, A replaced by G.
Molecular consequence: intron variant.
Genome position (GRCh38, 1-based): chr10:68,158,845, A>G. VCF-style: chr10-68158845-A-G. GRCh37 (hg19) VCF-style: chr10-69918602-A-G.
Other names: c.1459+218A>G (NM_001256267.2); c.577+218A>G (NM_001256268.2).
Identifiers: ClinVar variation 671143 (VCV000671143.1), dbSNP rs2673795, ClinGen allele CA208187174.